The following is an entry in ClinVar:

NM_001130438.3(SPTAN1):c.3992G>A (p.Arg1331His)

Gene: SPTAN1 (spectrin alpha, non-erythrocytic 1; plus strand). Cytogenetic location: 9q34.11.
Variant type: single nucleotide variant.
Coding change: c.3992G>A on transcript NM_001130438.3 (MANE Select); coding-DNA position 3992, G replaced by A.
Protein change: p.Arg1331His; replaces arginine 1331 with histidine.
Molecular consequence: missense variant.
Genome position (GRCh38, 1-based): chr9:128,605,423, G>A. VCF-style: chr9-128605423-G-A. GRCh37 (hg19) VCF-style: chr9-131367702-G-A.
Other names: c.3932G>A, p.Arg1311His (NM_001195532.2, NM_001363765.2, NM_001375314.2); c.3992G>A, p.Arg1331His (NM_001363759.2, NM_001375310.1, NM_001375311.2 and 2 more transcripts); c.4028G>A, p.Arg1343His (NM_001375312.2, NM_001375318.1); short protein forms R1311H, R1343H, R1331H.
Identifiers: ClinVar variation 2712456 (VCV002712456.3), dbSNP rs1456402365, ClinGen allele CA375065340.

ClinVar aggregate classification (germline): Uncertain significance (1 of 4 stars; one submission).

Conditions:
Early-infantile DEE. Also called: Early infantile epileptic encephalopathy with suppression bursts; Early infantile epileptic encephalopathy; Ohtahara syndrome. Identifiers: Orphanet 1934, MedGen C0393706, MONDO:0800491.

gnomAD v4.1: 17 of 1,614,186 alleles (0.0011%); highest among the groups gnomAD compares: Non-Finnish European, 0.0012%; no homozygotes.

Submission:

Labcorp Genetics (formerly Invitae), Labcorp
Classification: Uncertain significance for Early-infantile DEE. Last evaluated: 2023-06-04. Review status: criteria provided, single submitter. Criteria: Invitae Variant Classification Sherloc (09022015). Collection method: clinical testing. Allele origin: germline.
Comment: In summary, the available evidence is currently insufficient to determine the role of this variant in disease. Therefore, it has been classified as a Variant of Uncertain Significance. Advanced modeling of protein sequence and biophysical properties (such as structural, functional, and spatial information, amino acid conservation, physicochemical variation, residue mobility, and thermodynamic stability) has been performed at Invitae for this missense variant, however the output from this modeling did not meet the statistical confidence thresholds required to predict the impact of this variant on SPTAN1 protein function. This variant has not been reported in the literature in individuals affected with SPTAN1-related conditions. This variant is present in population databases (no rsID available, gnomAD 0.004%). This sequence change replaces arginine, which is basic and polar, with histidine, which is basic and polar, at codon 1331 of the SPTAN1 protein (p.Arg1331His).